The following is an entry in ClinVar:

ClinVar aggregate classification (germline): Likely pathogenic (0 of 4 stars; one submission).

Conditions:
Glioblastoma. Also called: Giant cell glioblastoma (histologic variant); Gliosarcoma (histologic variant). Identifiers: Orphanet 360, MedGen C0017636, MeSH D005909, MONDO:0018177, HP:0100843.

Allele frequency attached by ClinVar (database versions not stated): gnomAD exomes below 0.00001; gnomAD 0.00001.
gnomAD v4.1: 2 of 1,613,892 alleles (0.00012%); highest among the groups gnomAD compares: Non-Finnish European, 0.000085%; no homozygotes.

Submission:

Murat Gunel Laboratory, Yale University
Classification: Likely pathogenic for Glioblastoma. Last evaluated: 2019-06-11. Review status: no assertion criteria provided. Collection method: clinical testing. Allele origin: somatic. Inheritance: Somatic mutation. Affected: yes. Observed: 1 heterozygote.

NM_022552.5(DNMT3A):c.2710C>T (p.Pro904Ser)

Gene: DNMT3A (DNA methyltransferase 3 alpha; minus strand). Cytogenetic location: 2p23.3.
Variant type: single nucleotide variant.
Coding change: c.2710C>T on transcript NM_022552.5 (MANE Select); coding-DNA position 2710, C replaced by T.
Protein change: p.Pro904Ser; replaces proline 904 with serine.
Molecular consequence: missense variant. On other transcripts: non-coding transcript variant (1).
Genome position (GRCh38, 1-based): chr2:25,234,308, G>A on the plus strand (C>T on the coding strand, the complement: DNMT3A is on the minus strand). VCF-style: chr2-25234308-G-A. GRCh37 (hg19) VCF-style: chr2-25457177-G-A.
Other names: c.2710C>T, p.Pro904Ser (NM_175629.2); c.2254C>T, p.Pro752Ser (NM_001320893.1); c.2041C>T, p.Pro681Ser (NM_001375819.1); c.2143C>T, p.Pro715Ser (NM_153759.3); short protein forms P715S, P904S, P752S, P681S.
Identifiers: ClinVar variation 635110 (VCV000635110.3), dbSNP rs1558650888, ClinGen allele CA346068047.